The following is an entry in ClinVar:

ClinVar aggregate classification (germline): Benign (0 of 4 stars; one submission).

Conditions:
DNAH10-related disorder. Also called: DNAH10-related condition.

gnomAD v4.1: 15,114 of 1,611,450 alleles (0.94%); highest among the groups gnomAD compares: South Asian, 4.8%; 204 homozygotes.

Submission:

PreventionGenetics, part of Exact Sciences
Classification: Benign for DNAH10-related condition. Last evaluated: 2024-06-10. Review status: no assertion criteria provided. Collection method: clinical testing. Allele origin: germline.
Comment: This variant is classified as benign based on ACMG/AMP sequence variant interpretation guidelines (Richards et al. 2015 PMID: 25741868, with internal and published modifications).

NM_001372106.1(DNAH10):c.10746C>A (p.Asp3582Glu)

Gene: DNAH10 (dynein axonemal heavy chain 10; plus strand). Cytogenetic location: 12q24.31.
Variant type: single nucleotide variant.
Coding change: c.10746C>A on transcript NM_001372106.1 (MANE Select); coding-DNA position 10746, C replaced by A.
Protein change: p.Asp3582Glu; replaces aspartic acid 3582 with glutamic acid.
Molecular consequence: missense variant.
Genome position (GRCh38, 1-based): chr12:123,916,480, C>A. VCF-style: chr12-123916480-C-A. GRCh37 (hg19) VCF-style: chr12-124401027-C-A.
Other names: c.10392C>A, p.Asp3464Glu (NM_207437.3); short protein forms D3464E, D3582E.
Identifiers: ClinVar variation 3352957 (VCV003352957.1).